The following is an entry in ClinVar:

NM_000083.3(CLCN1):c.1588G>A (p.Ala530Thr)

Gene: CLCN1 (chloride voltage-gated channel 1; plus strand). Cytogenetic location: 7q34.
Variant type: single nucleotide variant.
Coding change: c.1588G>A on transcript NM_000083.3 (MANE Select); coding-DNA position 1588, G replaced by A.
Protein change: p.Ala530Thr; replaces alanine 530 with threonine.
Molecular consequence: missense variant. On other transcripts: non-coding transcript variant (1).
Genome position (GRCh38, 1-based): chr7:143,341,934, G>A. VCF-style: chr7-143341934-G-A. GRCh37 (hg19) VCF-style: chr7-143039027-G-A.
Other names: short protein forms A530T.
Identifiers: ClinVar variation 2938235 (VCV002938235.3), dbSNP rs2487089775, ClinGen allele CA369646352.

ClinVar aggregate classification (germline): Uncertain significance (1 of 4 stars; one submission).

Conditions:
Congenital myotonia, autosomal dominant form (THD). Also called: THOMSEN DISEASE; Myotonia congenita autosomal dominant. Identifiers: Orphanet 614, MedGen C2936781, MONDO:0008055, OMIM 160800.
Congenital myotonia, autosomal recessive form. Also called: BECKER DISEASE; Becker Generalized Myotonia; myotonia congenita, autosomal recessive. Identifiers: Orphanet 614, MedGen C0751360, MONDO:0009715, OMIM 255700.

Allele frequency attached by ClinVar (database versions not stated): gnomAD exomes 0.00001.

Submission:

Labcorp Genetics (formerly Invitae), Labcorp
Classification: Uncertain significance for Congenital myotonia, autosomal recessive form; Congenital myotonia, autosomal dominant form. Last evaluated: 2023-01-28. Review status: criteria provided, single submitter. Criteria: Invitae Variant Classification Sherloc (09022015). Collection method: clinical testing. Allele origin: germline.
Comment: In summary, the available evidence is currently insufficient to determine the role of this variant in disease. Therefore, it has been classified as a Variant of Uncertain Significance. Advanced modeling of protein sequence and biophysical properties (such as structural, functional, and spatial information, amino acid conservation, physicochemical variation, residue mobility, and thermodynamic stability) performed at Invitae indicates that this missense variant is expected to disrupt CLCN1 protein function. This variant has not been reported in the literature in individuals affected with CLCN1-related conditions. This variant is not present in population databases (gnomAD no frequency). This sequence change replaces alanine, which is neutral and non-polar, with threonine, which is neutral and polar, at codon 530 of the CLCN1 protein (p.Ala530Thr).